The following is an entry in ClinVar:

Single allele

Genes: ASPSCR1 (ASPSCR1 tether for SLC2A4, UBX domain containing; plus strand), B3GNTL1 (UDP-GlcNAc:betaGal beta-1,3-N-acetylglucosaminyltransferase like 1), CCDC57 (coiled-coil domain containing 57; minus strand), CD7 (CD7 molecule; minus strand), CENPX (centromere protein X; minus strand) and 25 more. Cytogenetic location: 17q25.3.
Variant type: Duplication.
Identifiers: ClinVar variation 2671602 (VCV002671602.1).

ClinVar aggregate classification (germline): Uncertain significance (1 of 4 stars; one submission).

Submission:

Illumina Laboratory Services, Illumina
Classification: Uncertain significance. Last evaluated: 2023-09-15. Review status: criteria provided, single submitter. Criteria: ICSL CNVClassificationCriteria Aug2020. Collection method: clinical testing. Allele origin: unknown.
Comment: This CNV is a 1.2 Mb duplication of 17q25.3, on chromosome 17, seq[GRCh37]dup(17)(q25.3), NC_000017.10:g.79928042_8115212dup, which is found in a de novo state. This CNV encompasses 29 protein coding genes. Individuals with 17q25.3 duplication of varying sizes presented with abnormal brain imaging, eye and muscular/skeletal abnormalities, ADHD, and psychiatric disorders (PMID: 26070612). A partially overlapping duplication in this region was inherited from an unaffected parent in a proband with developmental delay, intellectual disability, low muscle tone, posterior cerebellar artery syndrome, and dysmorphic features (PMID: 37430334). At least one slightly smaller CNV gain encompassing most of this region has been reported in controls (PMID: 24174537). Based on the available evidence, this CNV is classified as a variant of uncertain significance.